The following is an entry in ClinVar:

NM_000088.4(COL1A1):c.2552G>C (p.Gly851Ala)

Gene: COL1A1 (collagen type I alpha 1 chain; minus strand). Cytogenetic location: 17q21.33.
Variant type: single nucleotide variant.
Coding change: c.2552G>C on transcript NM_000088.4 (MANE Select); coding-DNA position 2552, G replaced by C.
Protein change: p.Gly851Ala; replaces glycine 851 with alanine.
Molecular consequence: missense variant.
Genome position (GRCh38, 1-based): chr17:50,190,008, C>G on the plus strand (G>C on the coding strand, the complement: COL1A1 is on the minus strand). VCF-style: chr17-50190008-C-G. GRCh37 (hg19) VCF-style: chr17-48267369-C-G.
Other names: short protein forms G851A.
Identifiers: ClinVar variation 1454444 (VCV001454444.8), dbSNP rs72653137, ClinGen allele CA400207493.

ClinVar aggregate classification (germline): Pathogenic (1 of 4 stars; one submission).

Conditions:
Osteogenesis imperfecta type I (OI1). Also called: Lobstein disease; Classic Non-deforming Osteogenesis Imperfecta with Blue Sclerae; OI, TYPE I; OSTEOGENESIS IMPERFECTA TARDA; OSTEOGENESIS IMPERFECTA WITH BLUE SCLERAE; Osteogenesis imperfecta type 1. Identifiers: Orphanet 216796, Orphanet 666, MedGen C0023931, MONDO:0008146, OMIM 166200. Disease mechanism: loss of function.

Submission:

Labcorp Genetics (formerly Invitae), Labcorp
Classification: Pathogenic for Osteogenesis imperfecta type I. Last evaluated: 2022-08-16. Review status: criteria provided, single submitter. Criteria: Invitae Variant Classification Sherloc (09022015). Collection method: clinical testing. Allele origin: germline.
Comment: For these reasons, this variant has been classified as Pathogenic. This variant disrupts the triple helix domain of COL1A1. Glycine residues within the Gly-Xaa-Yaa repeats of the triple helix domain are required for the structure and stability of fibrillar collagens (PMID: 7695699, 8218237, 19344236). In COL1A1, variants affecting these glycine residues are significantly enriched in individuals with disease (PMID: 9016532, 17078022) compared to the general population (ExAC). Advanced modeling of protein sequence and biophysical properties (such as structural, functional, and spatial information, amino acid conservation, physicochemical variation, residue mobility, and thermodynamic stability) performed at Invitae indicates that this missense variant is expected to disrupt COL1A1 protein function. ClinVar contains an entry for this variant (Variation ID: 1454444). This missense change has been observed in individual(s) with clinical features of COL1A1-related conditions (Invitae). This variant is not present in population databases (gnomAD no frequency). This sequence change replaces glycine, which is neutral and non-polar, with alanine, which is neutral and non-polar, at codon 851 of the COL1A1 protein (p.Gly851Ala).

Literature cited by the submitters: PubMed 7695699; PubMed 8218237; PubMed 19344236; PubMed 9016532; PubMed 17078022.